The following is an entry in ClinVar:

NM_201596.3(CACNB2):c.1573G>C (p.Val525Leu)

Gene: CACNB2 (calcium voltage-gated channel auxiliary subunit beta 2; plus strand). Cytogenetic location: 10p12.31.
Variant type: single nucleotide variant.
Coding change: c.1573G>C on transcript NM_201596.3 (MANE Select); coding-DNA position 1573, G replaced by C.
Protein change: p.Val525Leu; replaces valine 525 with leucine.
Molecular consequence: missense variant.
Genome position (GRCh38, 1-based): chr10:18,539,314, G>C. VCF-style: chr10-18539314-G-C. GRCh37 (hg19) VCF-style: chr10-18828243-G-C.
Other names: c.1408G>C, p.Val470Leu (NM_000724.4); c.1375G>C, p.Val459Leu (NM_001167945.2); c.1294G>C, p.Val432Leu (NM_001330060.2); c.1315G>C, p.Val439Leu (NM_001410882.1); c.1429G>C, p.Val477Leu (NM_201570.3); c.1489G>C, p.Val497Leu (NM_201571.4); c.1417G>C, p.Val473Leu (NM_201572.4); c.1411G>C, p.Val471Leu (NM_201590.3); and 2 more; short protein forms V439L, V459L, V470L, V501L, V471L, V432L, V487L, V497L.
Identifiers: ClinVar variation 1772054 (VCV001772054.5), dbSNP rs778403888, ClinGen allele CA376071351.
Genomic context (GRCh38, chr10:18,539,314, plus strand): 5'-GATCGCTCCGCTCCTATCCGTTCTGCTTCCCAAGCTGAAGAAGAACCTAGTGTGGAACCA[G>C]TCAAGAAATCCCAGCACCGCTCTTCCTCCTCAGCCCCACACCACAACCATCGCAGTGGGA-3'
Protein context (NP_963890.2, residues 515-535): QAEEEPSVEP[Val525Leu]KKSQHRSSSS

ClinVar aggregate classification (germline): Uncertain significance. Review status: criteria provided, multiple submitters, no conflicts (2 of 4 stars). 2 submissions from 2 submitters: Uncertain significance (2). Last evaluated 2026-01-06.

Conditions:
Cardiovascular phenotype. Identifiers: MedGen CN230736.
Brugada syndrome 4 (BRGDA4). Identifiers: Orphanet 130, MedGen C2678477, MONDO:0012743, OMIM 611876.

gnomAD v4.1: 8 of 1,613,904 alleles (0.0005%); highest among the groups gnomAD compares: African/African-American, 0.004%; no homozygotes.

Submissions (2):

Labcorp Genetics (formerly Invitae), Labcorp
Classification: Uncertain significance for Brugada syndrome 4. Last evaluated: 2026-01-06. Review status: criteria provided, single submitter. Criteria: Invitae Variant Classification Sherloc (09022015). Collection method: clinical testing. Allele origin: germline.
Comment: This sequence change replaces valine, which is neutral and non-polar, with leucine, which is neutral and non-polar, at codon 471 of the CACNB2 protein (p.Val471Leu). This variant is present in population databases (no rsID available, gnomAD 0.007%). This variant has not been reported in the literature in individuals affected with CACNB2-related conditions. ClinVar contains an entry for this variant (Variation ID: 1772054). Invitae Evidence Modeling of protein sequence and biophysical properties (such as structural, functional, and spatial information, amino acid conservation, physicochemical variation, residue mobility, and thermodynamic stability) indicates that this missense variant is not expected to disrupt CACNB2 protein function with a negative predictive value of 80%. In summary, the available evidence is currently insufficient to determine the role of this variant in disease. Therefore, it has been classified as a Variant of Uncertain Significance.

Ambry Genetics
Classification: Uncertain significance for Cardiovascular phenotype. Last evaluated: 2020-11-16. Review status: criteria provided, single submitter. Criteria: Ambry Variant Classification Scheme 2023. Collection method: clinical testing. Allele origin: germline.
Comment: The p.V471L variant (also known as c.1411G>C), located in coding exon 13 of the CACNB2 gene, results from a G to C substitution at nucleotide position 1411. The valine at codon 471 is replaced by leucine, an amino acid with highly similar properties. This amino acid position is not well conserved in available vertebrate species. In addition, this alteration is predicted to be tolerated by in silico analysis. Since supporting evidence is limited at this time, the clinical significance of this alteration remains unclear.